The following is an entry in ClinVar:

NM_001927.4(DES):c.734A>G (p.Glu245Gly)

Gene: DES (desmin; plus strand). Cytogenetic location: 2q35.
Variant type: single nucleotide variant.
Coding change: c.734A>G on transcript NM_001927.4 (MANE Select); coding-DNA position 734, A replaced by G.
Protein change: p.Glu245Gly; replaces glutamic acid 245 with glycine.
Molecular consequence: missense variant.
Genome position (GRCh38, 1-based): chr2:219,420,345, A>G. VCF-style: chr2-219420345-A-G. GRCh37 (hg19) VCF-style: chr2-220285067-A-G.
Other names: c.734A>G (LRG_380t1); short protein forms E245G.
Identifiers: ClinVar variation 646326 (VCV000646326.9), dbSNP rs1575014243, ClinGen allele CA350690679.
Genomic context (GRCh38, chr2:219,420,345, plus strand): 5'-TGGAGCGCAGAATTGAATCTCTCAACGAGGAGATCGCGTTCCTTAAGAAAGTGCATGAAG[A>G]GGTATACCTTGGCCCCTCTTCCTGGGGTCACTGGGCCATGGGGAAAGCAGCCGGAAAGTG-3'
Protein context (NP_001918.3, residues 235-255): EIAFLKKVHE[Glu245Gly]EIRELQAQLQ

ClinVar aggregate classification (germline): Uncertain significance (1 of 4 stars; one submission).

Conditions:
Desmin-related myofibrillar myopathy (MFM1). Also called: MYOFIBRILLAR MYOPATHY WITH ARRHYTHMOGENIC RIGHT VENTRICULAR CARDIOMYOPATHY; DESMIN-RELATED MYOPATHY WITH ARRHYTHMOGENIC RIGHT VENTRICULAR CARDIOMYOPATHY; Desminopathy; Desmin related myopathy (former name); Desmin storage myopathy (former name); Myofibrillar myopathy 1. Identifiers: Orphanet 363543, Orphanet 98909, MedGen C1832370, MONDO:0011076, OMIM 601419.

Submission:

Labcorp Genetics (formerly Invitae), Labcorp
Classification: Uncertain significance for Desmin-related myofibrillar myopathy. Last evaluated: 2018-12-17. Review status: criteria provided, single submitter. Criteria: Invitae Variant Classification Sherloc (09022015). Collection method: clinical testing. Allele origin: germline.
Comment: This sequence change replaces glutamic acid with glycine at codon 245 of the DES protein (p.Glu245Gly). The glutamic acid residue is highly conserved and there is a moderate physicochemical difference between glutamic acid and glycine. This variant is not present in population databases (ExAC no frequency). This variant has been observed in a family affected with clinical features of myofibrillar myopathy (PMID: 24441330). Algorithms developed to predict the effect of missense changes on protein structure and function are either unavailable or do not agree on the potential impact of this missense change (SIFT: "Tolerated"; PolyPhen-2: "Probably Damaging"; Align-GVGD: "Class C15"). Algorithms developed to predict the effect of sequence changes on RNA splicing suggest that this variant may disrupt the consensus splice site, but this prediction has not been confirmed by published transcriptional studies. In summary, the available evidence is currently insufficient to determine the role of this variant in disease. Therefore, it has been classified as a Variant of Uncertain Significance.

Literature cited by the submitters: PubMed 24441330.